The following is an entry in ClinVar:

ClinVar aggregate classification (germline): Likely pathogenic (1 of 4 stars; one submission).

Conditions:
Dilated cardiomyopathy 1G (CMD1G). Identifiers: Orphanet 154, MedGen C1858763, MONDO:0011400, OMIM 604145.
Autosomal recessive limb-girdle muscular dystrophy type 2J (LGMDR10). Also called: Limb-girdle muscular dystrophy, type 2J; MUSCULAR DYSTROPHY, LIMB-GIRDLE, AUTOSOMAL RECESSIVE 10. Identifiers: Orphanet 140922, MedGen C1837342, MONDO:0012127, OMIM 608807.

Submission:

Labcorp Genetics (formerly Invitae), Labcorp
Classification: Likely pathogenic for Dilated cardiomyopathy 1G; Autosomal recessive limb-girdle muscular dystrophy type 2J. Last evaluated: 2024-07-23. Review status: criteria provided, single submitter. Criteria: Invitae Variant Classification Sherloc (09022015). Collection method: clinical testing. Allele origin: germline.
Comment: This sequence change creates a premature translational stop signal (p.Glu31112Asnfs*21) in the TTN gene. While this is not anticipated to result in nonsense mediated decay, it is expected to create a truncated TTN protein. This variant is not present in population databases (gnomAD no frequency). This variant has not been reported in the literature in individuals affected with TTN-related conditions. This variant is located in the A band of TTN (PMID: 25589632). Truncating variants in this region are significantly overrepresented in patients affected with dilated cardiomyopathy (PMID: 25589632). Truncating variants in this region have also been reported in individuals affected with autosomal recessive centronuclear myopathy (PMID: 23975875). In summary, the currently available evidence indicates that the variant is pathogenic, but additional data are needed to prove that conclusively. Therefore, this variant has been classified as Likely Pathogenic.

Literature cited by the submitters: PubMed 25589632; PubMed 23975875.

NM_001267550.2(TTN):c.93333del (p.Glu31112fs)

Genes: TTN (titin; minus strand), TTN-AS1 (TTN antisense RNA 1; plus strand). Cytogenetic location: 2q31.2.
Variant type: Deletion.
Coding change: c.93333del on transcript NM_001267550.2 (MANE Select); coding-DNA position 93333, one base deleted (A; older notation c.93333delA).
Protein change: p.Glu31112fs; shifts the reading frame from glutamic acid 31112.
Molecular consequence: frameshift variant.
Genome position (GRCh38, 1-based): chr2:178,548,293, T deleted on the plus strand (A on the coding strand, the reverse complement: TTN is on the minus strand). VCF-style (leftmost placement, unchanged base first): chr2-178548292-CT-C. GRCh37 (hg19) VCF-style: chr2-179413019-CT-C.
Other names: c.88410del, p.Glu29471fs (NM_001256850.1); c.66138del, p.Glu22047fs (NM_003319.4); c.85629del, p.Glu28544fs (NM_133378.4); c.66513del, p.Glu22172fs (NM_133432.3); c.66714del, p.Glu22239fs (NM_133437.4); short protein forms E22047fs, E22172fs, E22239fs, E28544fs, E29471fs, E31112fs.
Identifiers: ClinVar variation 3757355 (VCV003757355.2).
Genomic context (GRCh38, chr2:178,548,292, plus strand): 5'-AGACTGCGGAGGATTTGCTAGTATCAACAACATCAAGTCTCCTAGGTGGAGCAGGCTGTT[CT>C]GTGGCTACAATTGGTTCTGGCATTTCATAGGGCTCACCAACACCATACTCATTTACTGCA-3'